The following is an entry in ClinVar:

ClinVar aggregate classification (germline): Uncertain significance. Review status: criteria provided, multiple submitters, no conflicts (2 of 4 stars). 2 submissions from 2 submitters: Uncertain significance (2). Last evaluated 2026-07-13.

Conditions:
Isolated focal cortical dysplasia type II (FCORD2). Also called: CORTICAL DYSPLASIA OF TAYLOR; Focal cortical dysplasia type II. Identifiers: Orphanet 268994, MedGen C1846385, MONDO:0011818, OMIM 607341, HP:0032051.
Hereditary cancer-predisposing syndrome. Also called: Hereditary neoplastic syndrome; Hereditary Cancer Syndrome; Neoplastic Syndromes, Hereditary; Tumor predisposition. Identifiers: Orphanet 140162, MedGen C0027672, MeSH D009386, MONDO:0015356.

Submissions (2):

Ambry Genetics
Classification: Uncertain significance for Hereditary cancer-predisposing syndrome. Last evaluated: 2026-07-13. Review status: criteria provided, single submitter. Criteria: Ambry Variant Classification Scheme 2023. Collection method: clinical testing. Allele origin: germline.
Comment: The p.H68L variant (also known as c.203A>T), located in coding exon 2 of the TSC1 gene, results from an A to T substitution at nucleotide position 203. The histidine at codon 68 is replaced by leucine, an amino acid with similar properties. This amino acid position is conserved. In addition, this alteration is predicted to be deleterious by in silico analysis. Based on the available evidence, the clinical significance of this variant remains unclear.

Baylor Genetics
Classification: Uncertain significance for Isolated focal cortical dysplasia type II. Last evaluated: 2023-08-22. Review status: criteria provided, single submitter. Criteria: ACMG Guidelines, 2015. Collection method: clinical testing. Allele origin: unknown.

NM_000368.5(TSC1):c.203A>T (p.His68Leu)

Gene: TSC1 (TSC complex subunit 1; minus strand). Cytogenetic location: 9q34.13.
Variant type: single nucleotide variant.
Coding change: c.203A>T on transcript NM_000368.5 (MANE Select); coding-DNA position 203, A replaced by T.
Protein change: p.His68Leu; replaces histidine 68 with leucine.
Molecular consequence: missense variant. On other transcripts: 5 prime UTR variant (9), non-coding transcript variant (4), intron variant (9).
Genome position (GRCh38, 1-based): chr9:132,927,208, T>A on the plus strand (A>T on the coding strand, the complement: TSC1 is on the minus strand). VCF-style: chr9-132927208-T-A. GRCh37 (hg19) VCF-style: chr9-135802595-T-A.
Other names: c.-286A>T (NM_001406615.1, NM_001406623.1); c.-253A>T (NM_001406616.1, NM_001406624.1); c.-675A>T (NM_001406626.1, NM_001406627.1, NM_001406628.1); c.-817A>T (NM_001406629.1); c.-891A>T (NM_001406630.1); c.-153-1469A>T (NM_001406620.1, NM_001406618.1, NM_001406625.1 and 5 more transcripts); c.-245-1469A>T (NM_001406614.1); c.203A>T, p.His68Leu (NM_001162426.2, NM_001162427.2, NM_001406592.1 and 21 more transcripts); short protein forms H68L.
Identifiers: ClinVar variation 2679307 (VCV002679307.3), dbSNP rs118203347, ClinGen allele CA375375034.